The following is an entry in ClinVar:

NM_006206.6(PDGFRA):c.2002+2T>C

Gene: PDGFRA (platelet derived growth factor receptor alpha; plus strand). Cytogenetic location: 4q12.
Variant type: single nucleotide variant.
Coding change: c.2002+2T>C on transcript NM_006206.6 (MANE Select); the canonical splice donor site of the intron after coding-DNA position 2002, T replaced by C.
Molecular consequence: splice donor variant.
Genome position (GRCh38, 1-based): chr4:54,278,008, T>C. VCF-style: chr4-54278008-T-C. GRCh37 (hg19) VCF-style: chr4-55144175-T-C.
Other names: c.2077+2T>C (NM_001347828.2); c.2002+2T>C (NM_001347827.2, NM_001347829.2); c.2041+2T>C (NM_001347830.2).
Identifiers: ClinVar variation 3679885 (VCV003679885.4).

ClinVar aggregate classification (germline): Uncertain significance. Review status: criteria provided, multiple submitters, no conflicts (2 of 4 stars). 2 submissions from 2 submitters: Uncertain significance (2). Last evaluated 2025-11-07.

Conditions:
Gastrointestinal stromal tumor. Also called: Gastrointestinal stromal tumor, somatic; Gastrointestinal stroma tumor. Identifiers: Orphanet 44890, MedGen C0238198, MeSH D046152, MONDO:0011719, OMIM 606764, HP:0100723.

Submissions (2):

Dasa
Classification: Uncertain significance. Last evaluated: 2025-11-07. Review status: criteria provided, single submitter. Criteria: DASA Assertion Criteria. Collection method: clinical testing. Allele origin: germline.
Comment: NM_006206.6(PDGFRA):c.2002+2T>C affects a canonical splice site and is predicted to disrupt normal RNA splicing. This variant is absent from population databases. Computational prediction algorithms are consistent with a deleterious effect. The currently available literature and clinical evidence are not sufficient to establish a definitive association between this variant and the reported condition. Therefore, this variant is classified as a variant of uncertain significance.

Labcorp Genetics (formerly Invitae), Labcorp
Classification: Uncertain significance for Gastrointestinal stromal tumor. Last evaluated: 2024-08-28. Review status: criteria provided, single submitter. Criteria: Invitae Variant Classification Sherloc (09022015). Collection method: clinical testing. Allele origin: germline.
Comment: This sequence change affects a donor splice site in intron 14 of the PDGFRA gene. It is expected to disrupt RNA splicing. Variants that disrupt the donor or acceptor splice site typically lead to a loss of protein function (PMID: 16199547), however the current clinical and genetic evidence is not sufficient to establish whether loss-of-function variants in PDGFRA cause disease. This variant is not present in population databases (gnomAD no frequency). This variant has not been reported in the literature in individuals affected with PDGFRA-related conditions. Algorithms developed to predict the effect of sequence changes on RNA splicing suggest that this variant may disrupt the consensus splice site. In summary, the available evidence is currently insufficient to determine the role of this variant in disease. Therefore, it has been classified as a Variant of Uncertain Significance.

Literature cited by the submitters: PubMed 16199547 (cited by Labcorp Genetics (formerly Invitae), Labcorp).